The following is an entry in ClinVar:

ClinVar aggregate classification (germline): Uncertain significance (1 of 4 stars; one submission).

Conditions:
Familial adenomatous polyposis 1 (FAP1). Also called: FAMILIAL ADENOMATOUS POLYPOSIS 1, ATTENUATED; POLYPOSIS, ADENOMATOUS INTESTINAL. Identifiers: MedGen C2713442, MONDO:0021056, OMIM 175100. Disease mechanism: loss of function.

Submission:

Labcorp Genetics (formerly Invitae), Labcorp
Classification: Uncertain significance for Familial adenomatous polyposis 1. Last evaluated: 2024-09-16. Review status: criteria provided, single submitter. Criteria: Invitae Variant Classification Sherloc (09022015). Collection method: clinical testing. Allele origin: germline.
Comment: This variant occurs in a non-coding region of the APC gene. It does not change the encoded amino acid sequence of the APC protein. This variant is not present in population databases (gnomAD no frequency). This variant has not been reported in the literature in individuals affected with APC-related conditions. Experimental studies and prediction algorithms are not available or were not evaluated, and the functional significance of this variant is currently unknown. In summary, the available evidence is currently insufficient to determine the role of this variant in disease. Therefore, it has been classified as a Variant of Uncertain Significance.

NM_001127511.3(APC):c.43G>T (p.Ala15Ser)

Gene: APC (APC regulator of Wnt signaling pathway; plus strand). Cytogenetic location: 5q22.2.
Variant type: single nucleotide variant.
Coding change: c.43G>T on transcript NM_001127511.3; coding-DNA position 43, G replaced by T.
Protein change: p.Ala15Ser; replaces alanine 15 with serine.
Molecular consequence: missense variant. On other transcripts: 5 prime UTR variant (8), non-coding transcript variant (1), intron variant (5).
Genome position (GRCh38, 1-based): chr5:112,707,760, G>T. VCF-style: chr5-112707760-G-T. GRCh37 (hg19) VCF-style: chr5-112043457-G-T.
Other names: c.-141G>T (NM_001354895.2, NM_001407447.1, NM_001407452.1 and 3 more transcripts); c.43G>T, p.Ala15Ser (NM_001354897.2, NM_001354902.2, NM_001407446.1); c.-1176G>T (NM_001407470.1, NM_001407472.1); c.-19+111G>T (NM_001407448.1, NM_001407450.1, NM_001407457.1 and 1 more transcripts); c.-43+111G>T (NM_001407453.1); short protein forms A15S.
Identifiers: ClinVar variation 3717511 (VCV003717511.2).